The following is an entry in ClinVar:

ClinVar aggregate classification (germline): Uncertain significance (1 of 4 stars; one submission).

Conditions:
Congenital myotonia, autosomal dominant form (THD). Also called: THOMSEN DISEASE; Myotonia congenita autosomal dominant. Identifiers: Orphanet 614, MedGen C2936781, MONDO:0008055, OMIM 160800.
Congenital myotonia, autosomal recessive form. Also called: BECKER DISEASE; Becker Generalized Myotonia; myotonia congenita, autosomal recessive. Identifiers: Orphanet 614, MedGen C0751360, MONDO:0009715, OMIM 255700.

gnomAD v4.1: 1 of 1,613,340 alleles (0.000062%); highest among the groups gnomAD compares: Admixed American, 0.0017%; no homozygotes.

Submission:

Labcorp Genetics (formerly Invitae), Labcorp
Classification: Uncertain significance for Congenital myotonia, autosomal recessive form; Congenital myotonia, autosomal dominant form. Last evaluated: 2025-07-28. Review status: criteria provided, single submitter. Criteria: Invitae Variant Classification Sherloc (09022015). Collection method: clinical testing. Allele origin: germline.
Comment: This sequence change replaces aspartic acid, which is acidic and polar, with glutamic acid, which is acidic and polar, at codon 979 of the CLCN1 protein (p.Asp979Glu). This variant is present in population databases (no rsID available, gnomAD 0.003%). This variant has not been reported in the literature in individuals affected with CLCN1-related conditions. Invitae Evidence Modeling of protein sequence and biophysical properties (such as structural, functional, and spatial information, amino acid conservation, physicochemical variation, residue mobility, and thermodynamic stability) indicates that this missense variant is not expected to disrupt CLCN1 protein function with a negative predictive value of 95%. In summary, the available evidence is currently insufficient to determine the role of this variant in disease. Therefore, it has been classified as a Variant of Uncertain Significance.

NM_000083.3(CLCN1):c.2937C>G (p.Asp979Glu)

Gene: CLCN1 (chloride voltage-gated channel 1; plus strand). Cytogenetic location: 7q34.
Variant type: single nucleotide variant.
Coding change: c.2937C>G on transcript NM_000083.3 (MANE Select); coding-DNA position 2937, C replaced by G.
Protein change: p.Asp979Glu; replaces aspartic acid 979 with glutamic acid.
Molecular consequence: missense variant. On other transcripts: non-coding transcript variant (1).
Genome position (GRCh38, 1-based): chr7:143,351,935, C>G. VCF-style: chr7-143351935-C-G. GRCh37 (hg19) VCF-style: chr7-143049028-C-G.
Other names: short protein forms D979E.
Identifiers: ClinVar variation 4792170 (VCV004792170.1).